The following is an entry in ClinVar:

ClinVar aggregate classification (germline): Uncertain significance (1 of 4 stars; one submission).

Conditions:
PEX1-related disorder. Also called: PEX1-related condition.

Submission:

PreventionGenetics, part of Exact Sciences
Classification: Uncertain significance for PEX1-related condition. Last evaluated: 2025-09-02. Review status: criteria provided, single submitter. Criteria: ACMG Guidelines, 2015. Collection method: clinical testing. Allele origin: germline.
Comment: The PEX1 c.3562C>T variant is predicted to result in the amino acid substitution p.Leu1188Phe. To our knowledge, this variant has not been reported in the literature or in a large population database (gnomAD), indicating this variant is rare. At this time, the clinical significance of this variant is uncertain due to the absence of conclusive functional and genetic evidence.

NM_000466.3(PEX1):c.3562C>T (p.Leu1188Phe)

Genes: GATAD1 (GATA zinc finger domain containing 1; plus strand), PEX1 (peroxisomal biogenesis factor 1; minus strand). Cytogenetic location: 7q21.2.
Variant type: single nucleotide variant.
Coding change: c.3562C>T on transcript NM_000466.3 (MANE Select); coding-DNA position 3562, C replaced by T.
Protein change: p.Leu1188Phe; replaces leucine 1188 with phenylalanine.
Molecular consequence: missense variant.
Genome position (GRCh38, 1-based): chr7:92,489,788, G>A on the plus strand (C>T on the coding strand, the complement: PEX1 is on the minus strand). VCF-style: chr7-92489788-G-A. GRCh37 (hg19) VCF-style: chr7-92119102-G-A.
Other names: c.3391C>T, p.Leu1131Phe (NM_001282677.2); c.2938C>T, p.Leu980Phe (NM_001282678.2); short protein forms L1188F, L1131F, L980F.
Identifiers: ClinVar variation 5002273 (VCV005002273.1).